The following is an entry in ClinVar:

NM_000252.3(MTM1):c.444+16C>G

Gene: MTM1 (myotubularin 1; plus strand). Cytogenetic location: Xq28.
Variant type: single nucleotide variant.
Coding change: c.444+16C>G on transcript NM_000252.3 (MANE Select); 16 bases into the intron after coding-DNA position 444, C replaced by G.
Molecular consequence: intron variant.
Genome position (GRCh38, 1-based): chrX:150,619,155, C>G. VCF-style: chrX-150619155-C-G. GRCh37 (hg19) VCF-style: chrX-149787628-C-G.
Other names: c.444+16C>G (NM_001376908.1, NM_001376906.1); c.333+16C>G (NM_001376907.1).
Identifiers: ClinVar variation 388595 (VCV000388595.4), dbSNP rs1057523163, ClinGen allele CA16608757.

ClinVar aggregate classification (germline): Likely benign. Review status: criteria provided, multiple submitters, no conflicts (2 of 4 stars). 2 submissions from 2 submitters: Likely benign (2). Last evaluated 2023-11-17.

Conditions:
Severe X-linked myotubular myopathy (CNMX). Also called: X-linked centronuclear myopathy; Myotubular myopathy, X-linked; MYOTUBULAR MYOPATHY 1. Identifiers: Orphanet 596, MedGen C0410203, MONDO:0010683, OMIM 310400.

Allele frequency attached by ClinVar (database versions not stated): gnomAD 0.00001; gnomAD exomes 0.00001; TOPMed 0.00001.
gnomAD v4.1: 5 of 1,142,992 alleles (0.00044%); highest among the groups gnomAD compares: East Asian, 0.012%; no homozygotes.

Submissions (2):

Labcorp Genetics (formerly Invitae), Labcorp
Classification: Likely benign for Severe X-linked myotubular myopathy. Last evaluated: 2023-11-17. Review status: criteria provided, single submitter. Criteria: Invitae Variant Classification Sherloc (09022015). Collection method: clinical testing. Allele origin: germline.

GeneDx
Classification: Likely benign. Last evaluated: 2016-08-17. Review status: criteria provided, single submitter. Criteria: GeneDx Variant Classification (06012015). Collection method: clinical testing. Allele origin: germline. Affected: yes.
Comment: This variant is considered likely benign or benign based on one or more of the following criteria: it is a conservative change, it occurs at a poorly conserved position in the protein, it is predicted to be benign by multiple in silico algorithms, and/or has population frequency not consistent with disease.